The following is an entry in ClinVar:

ClinVar aggregate classification (germline): Pathogenic (1 of 4 stars; one submission).

Submission:

Labcorp Genetics (formerly Invitae), Labcorp
Classification: Pathogenic. Last evaluated: 2024-07-29. Review status: criteria provided, single submitter. Criteria: Invitae Variant Classification Sherloc (09022015). Collection method: clinical testing. Allele origin: germline.
Comment: This sequence change creates a premature translational stop signal (p.Thr76Profs*21) in the TNFAIP3 gene. It is expected to result in an absent or disrupted protein product. Loss-of-function variants in TNFAIP3 are known to be pathogenic (PMID: 26642243). This variant is not present in population databases (gnomAD no frequency). This variant has not been reported in the literature in individuals affected with TNFAIP3-related conditions. ClinVar contains an entry for this variant (Variation ID: 1385222). For these reasons, this variant has been classified as Pathogenic.

Literature cited by the submitters: PubMed 26642243.

NM_001270508.2(TNFAIP3):c.224_225dup (p.Thr76fs)

Gene: TNFAIP3 (TNF alpha induced protein 3; plus strand). Cytogenetic location: 6q23.3.
Variant type: Duplication.
Coding change: c.224_225dup on transcript NM_001270508.2 (MANE Select); coding-DNA positions 224 to 225, 2 bases duplicated (CC; older notation c.224_225dupCC).
Protein change: p.Thr76fs; shifts the reading frame from threonine 76.
Molecular consequence: frameshift variant.
Genome position (GRCh38, 1-based): chr6:137,871,451-137,871,452, CC duplicated. VCF-style (leftmost placement, unchanged base first): chr6-137871450-G-GCC. GRCh37 (hg19) VCF-style: chr6-138192587-G-GCC.
Other names: c.224_225dup, p.Thr76fs (NM_001270507.2, NM_006290.4); short protein forms T76fs.
Identifiers: ClinVar variation 1385222 (VCV001385222.6), dbSNP rs2114460279, ClinGen allele CA2573140551.